The following is an entry in ClinVar:

ClinVar aggregate classification (germline): Uncertain significance. Review status: criteria provided, multiple submitters, no conflicts (2 of 4 stars). 2 submissions from 2 submitters: Uncertain significance (2). Last evaluated 2024-03-26.

Conditions:
Inborn genetic diseases. Identifiers: MedGen C0950123, MeSH D030342.

Allele frequency attached by ClinVar (database versions not stated): TOPMed 0.00005; gnomAD 0.00007.
gnomAD v4.1: 22 of 1,481,694 alleles (0.0015%); highest among the groups gnomAD compares: Admixed American, 0.03%; no homozygotes.

Submissions (2):

Labcorp Genetics (formerly Invitae), Labcorp
Classification: Uncertain significance. Last evaluated: 2024-03-26. Review status: criteria provided, single submitter. Criteria: Invitae Variant Classification Sherloc (09022015). Collection method: clinical testing. Allele origin: germline.
Comment: This sequence change replaces arginine, which is basic and polar, with glycine, which is neutral and non-polar, at codon 25 of the CPOX protein (p.Arg25Gly). This variant is present in population databases (no rsID available, gnomAD 0.006%). This variant has not been reported in the literature in individuals affected with CPOX-related conditions. ClinVar contains an entry for this variant (Variation ID: 2200721). An algorithm developed to predict the effect of missense changes on protein structure and function (PolyPhen-2) suggests that this variant is likely to be tolerated. In summary, the available evidence is currently insufficient to determine the role of this variant in disease. Therefore, it has been classified as a Variant of Uncertain Significance.

Ambry Genetics
Classification: Uncertain significance for Inborn genetic diseases. Last evaluated: 2024-02-05. Review status: criteria provided, single submitter. Criteria: Ambry Variant Classification Scheme 2023. Collection method: clinical testing. Allele origin: germline.

NM_000097.7(CPOX):c.73C>G (p.Arg25Gly)

Genes: CPOX (coproporphyrinogen oxidase; minus strand), LOC129937121 (ATAC-STARR-seq lymphoblastoid silent region 14560; plus strand). Cytogenetic location: 3q11.2.
Variant type: single nucleotide variant.
Coding change: c.73C>G on transcript NM_000097.7 (MANE Select); coding-DNA position 73, C replaced by G.
Protein change: p.Arg25Gly; replaces arginine 25 with glycine.
Molecular consequence: missense variant.
Genome position (GRCh38, 1-based): chr3:98,593,432, G>C on the plus strand (C>G on the coding strand, the complement: CPOX is on the minus strand). VCF-style: chr3-98593432-G-C. GRCh37 (hg19) VCF-style: chr3-98312276-G-C.
Other names: c.73C>G (NM_000097.5); short protein forms R25G.
Identifiers: ClinVar variation 2200721 (VCV002200721.5), dbSNP rs1158873654, ClinGen allele CA353647205.